The following is an entry in ClinVar:

ClinVar aggregate classification (germline): Uncertain significance (1 of 4 stars; one submission).

Conditions:
Blau syndrome (BLAUS). Also called: GRANULOMATOSIS, FAMILIAL JUVENILE SYSTEMIC; GRANULOMATOSIS, FAMILIAL, BLAU TYPE; GRANULOMATOUS INFLAMMATORY ARTHRITIS, DERMATITIS, AND UVEITIS, FAMILIAL; JABS SYNDROME; ARTHROCUTANEOUVEAL GRANULOMATOSIS. Identifiers: Orphanet 90340, MedGen C5201146, MONDO:0008523, OMIM 186580.
Regional enteritis. Also called: Enteritis, Granulomatous. Identifiers: MedGen C0678202, MeSH D003424.

Allele frequency attached by ClinVar (database versions not stated): TOPMed 0.00001.
gnomAD v4.1: 6 of 1,613,994 alleles (0.00037%); highest among the groups gnomAD compares: Admixed American, 0.0017%; no homozygotes.

Submission:

Labcorp Genetics (formerly Invitae), Labcorp
Classification: Uncertain significance for Regional enteritis; Blau syndrome. Last evaluated: 2021-09-08. Review status: criteria provided, single submitter. Criteria: Invitae Variant Classification Sherloc (09022015). Collection method: clinical testing. Allele origin: germline.
Comment: This sequence change replaces leucine with valine at codon 975 of the NOD2 protein (p.Leu975Val). The leucine residue is highly conserved and there is a small physicochemical difference between leucine and valine. This variant is not present in population databases (ExAC no frequency). This variant has not been reported in the literature in individuals affected with NOD2-related conditions. Algorithms developed to predict the effect of missense changes on protein structure and function are either unavailable or do not agree on the potential impact of this missense change (SIFT: "Deleterious"; PolyPhen-2: "Probably Damaging"; Align-GVGD: "Class C0"). In summary, the available evidence is currently insufficient to determine the role of this variant in disease. Therefore, it has been classified as a Variant of Uncertain Significance.

NM_001370466.1(NOD2):c.2842C>G (p.Leu948Val)

Gene: NOD2 (nucleotide binding oligomerization domain containing 2; plus strand). Cytogenetic location: 16q12.1.
Variant type: single nucleotide variant.
Coding change: c.2842C>G on transcript NM_001370466.1 (MANE Select); coding-DNA position 2842, C replaced by G.
Protein change: p.Leu948Val; replaces leucine 948 with valine.
Molecular consequence: missense variant. On other transcripts: non-coding transcript variant (1).
Genome position (GRCh38, 1-based): chr16:50,725,529, C>G. VCF-style: chr16-50725529-C-G. GRCh37 (hg19) VCF-style: chr16-50759440-C-G.
Other names: c.2842C>G, p.Leu948Val (NM_001293557.2); c.2923C>G, p.Leu975Val (NM_022162.3); short protein forms L948V, L975V.
Identifiers: ClinVar variation 645820 (VCV000645820.6), dbSNP rs1337759230, ClinGen allele CA395876393.
Genomic context (GRCh38, chr16:50,725,529, plus strand): 5'-TTCTCTCTTCTTCTCACCAGCCTGGAGGAGAACCATCTCCAGGATGAAGGTGTATGTTCT[C>G]TCGCAGAAGGACTGAAGAAAAATTCAAGTTTGAAAATCCTGAAGTAAGGAACCCATAAGC-3'
Protein context (NP_001357395.1, residues 938-958): NHLQDEGVCS[Leu948Val]AEGLKKNSSL